The following is an entry in ClinVar:

ClinVar aggregate classification (germline): Conflicting classifications of pathogenicity. Review status: criteria provided, conflicting classifications (1 of 4 stars). 2 submissions from 2 submitters: Uncertain significance (1); Likely benign (1). Last evaluated 2025-07-02.

Conditions:
Inborn genetic diseases. Identifiers: MedGen C0950123, MeSH D030342.

gnomAD v4.1: 23 of 1,613,730 alleles (0.0014%); highest among the groups gnomAD compares: African/African-American, 0.031%; no homozygotes.

Submissions (2):

GeneDx
Classification: Uncertain significance. Last evaluated: 2025-07-02. Review status: criteria provided, single submitter. Criteria: GeneDx Variant Classification Process June 2021. Collection method: clinical testing. Allele origin: germline. Affected: yes.
Comment: In silico analysis suggests that this missense variant does not alter protein structure/function; Has not been previously published as pathogenic or benign to our knowledge

Ambry Genetics
Classification: Likely benign for Inborn genetic diseases. Last evaluated: 2024-10-25. Review status: criteria provided, single submitter. Criteria: Ambry Variant Classification Scheme 2023. Collection method: clinical testing. Allele origin: germline.

NM_004447.6(EPS8):c.1221G>A (p.Met407Ile)

Gene: EPS8 (EGFR pathway substrate 8, signaling adaptor; minus strand). Cytogenetic location: 12p12.3.
Variant type: single nucleotide variant.
Coding change: c.1221G>A on transcript NM_004447.6 (MANE Select); coding-DNA position 1221, G replaced by A.
Protein change: p.Met407Ile; replaces methionine 407 with isoleucine.
Molecular consequence: missense variant. On other transcripts: non-coding transcript variant (3).
Genome position (GRCh38, 1-based): chr12:15,654,174, C>T on the plus strand (G>A on the coding strand, the complement: EPS8 is on the minus strand). VCF-style: chr12-15654174-C-T. GRCh37 (hg19) VCF-style: chr12-15807108-C-T.
Other names: c.1221G>A, p.Met407Ile (NM_001413831.1, NM_001413832.1, NM_001413833.1 and 2 more transcripts); c.981G>A, p.Met327Ile (NM_001413835.1, NM_001413836.1); c.804G>A, p.Met268Ile (NM_001413837.1); c.441G>A, p.Met147Ile (NM_001413838.1); short protein forms M268I, M327I, M407I, M147I.
Identifiers: ClinVar variation 3509634 (VCV003509634.2).
Genomic context (GRCh38, chr12:15,654,174, plus strand): 5'-ACTTAAGGCATTATAGGTGGTAAATGCTTACCTGGCTTTCATCCAAGTTCCTCCCAATGA[C>T]ATCCACAGCTGCCGTTCATCACCATTGACAGTATAATTTAAGAAATCAATTGTGTCCTTA-3'
Protein context (NP_004438.3, residues 397-417): TVNGDERQLW[Met407Ile]SLGGTWMKAR